The following is an entry in ClinVar:

ClinVar aggregate classification (germline): Conflicting classifications of pathogenicity. Review status: criteria provided, conflicting classifications (1 of 4 stars). 2 submissions from 2 submitters: Likely pathogenic (1); Uncertain significance (1). Last evaluated 2025-03-30.

Conditions:
Neurodegeneration, childhood-onset, with cerebellar atrophy. Identifiers: MedGen C4748934, MONDO:0032650, OMIM 618276.

Submissions (2):

GeneDx
Classification: Likely pathogenic. Last evaluated: 2025-03-30. Review status: criteria provided, single submitter. Criteria: GeneDx Variant Classification Process June 2021. Collection method: clinical testing. Allele origin: germline. Affected: yes.
Comment: Not observed at significant frequency in large population cohorts (gnomAD); In silico analysis supports a deleterious effect on splicing; In silico analysis supports that this missense variant has a deleterious effect on protein structure/function; Has not been previously published as pathogenic or benign to our knowledge

Neuberg Centre For Genomic Medicine, NCGM
Classification: Uncertain significance for Neurodegeneration, childhood-onset, with cerebellar atrophy. Review status: criteria provided, single submitter. Criteria: ACMG Guidelines, 2015. Collection method: clinical testing. Allele origin: germline. Inheritance: Autosomal recessive inheritance. Affected: yes.
Comment: The observed missense c.2420A>G p.Tyr807Cys variant in AGTPBP1 gene has not been reported previously as a pathogenic variant nor as a benign variant, to our knowledge. The p.Tyr807Cys variant is present with allele frequency of 0.0004% in gnomAD Exomes. This variant has not been submitted to the ClinVar database. Multiple lines of computational evidence Polyphen - Probably damaging, SIFT – Damaging and Mutation Taster - Disease causing predict a damaging effect on protein structure and function for this variant. The reference amino acid of p.Tyr807Cys in AGTPBP1 gene is predicted as conserved by GERP++ and PhyloP across 100 vertebrates. The amino acid Tyr at position 807 is changed to a Cys changing protein sequence and it might alter its composition and physico-chemical properties. For these reasons, this variant has been classified as Variant of Uncertain Significance VUS.

NM_001330701.2(AGTPBP1):c.2420A>G (p.Tyr807Cys)

Gene: AGTPBP1 (ATP/GTP binding carboxypeptidase 1; minus strand). Cytogenetic location: 9q21.33.
Variant type: single nucleotide variant.
Coding change: c.2420A>G on transcript NM_001330701.2 (MANE Select); coding-DNA position 2420, A replaced by G.
Protein change: p.Tyr807Cys; replaces tyrosine 807 with cysteine.
Molecular consequence: missense variant.
Genome position (GRCh38, 1-based): chr9:85,596,365, T>C on the plus strand (A>G on the coding strand, the complement: AGTPBP1 is on the minus strand). VCF-style: chr9-85596365-T-C. GRCh37 (hg19) VCF-style: chr9-88211280-T-C.
Other names: c.2576A>G, p.Tyr859Cys (NM_001286715.1); c.2456A>G, p.Tyr819Cys (NM_001286717.1); c.2300A>G, p.Tyr767Cys (NM_015239.3); short protein forms Y767C, Y807C, Y819C, Y859C.
Identifiers: ClinVar variation 3391206 (VCV003391206.2).
Genomic context (GRCh38, chr9:85,596,365, plus strand): 5'-GTACTTAATACTGCCTTCTGTAAGCTGACATTCTATTAATATTCTTAAAATACTTACTTA[T>C]AGTAACAAATGTCAGTCCCCATACGAATCCACCATGGTCTGGCATTTAATGCTTCCTGAA-3'
Protein context (NP_001317630.1, residues 797-817): WIRMGTDICY[Tyr807Cys]KNHFSRSSVA